The following is an entry in ClinVar:

ClinVar aggregate classification (germline): Likely pathogenic (1 of 4 stars; one submission).

Conditions:
Nephronophthisis 15 (NPHP15). Identifiers: Orphanet 3156, MedGen C3541853, MONDO:0013917, OMIM 614845.

Submission:

Labcorp Genetics (formerly Invitae), Labcorp
Classification: Likely pathogenic for Nephronophthisis 15. Last evaluated: 2023-04-05. Review status: criteria provided, single submitter. Criteria: Invitae Variant Classification Sherloc (09022015). Collection method: clinical testing. Allele origin: germline.
Comment: This sequence change affects a donor splice site in intron 6 of the CEP164 gene. It is expected to disrupt RNA splicing. Variants that disrupt the donor or acceptor splice site typically lead to a loss of protein function (PMID: 16199547), and loss-of-function variants in CEP164 are known to be pathogenic (PMID: 22863007, 28125082, 32367404, 34132027, 34499853). This variant is not present in population databases (gnomAD no frequency). This variant has not been reported in the literature in individuals affected with CEP164-related conditions. ClinVar contains an entry for this variant (Variation ID: 962029). Algorithms developed to predict the effect of sequence changes on RNA splicing suggest that this variant may disrupt the consensus splice site. In summary, the currently available evidence indicates that the variant is pathogenic, but additional data are needed to prove that conclusively. Therefore, this variant has been classified as Likely Pathogenic.

Literature cited by the submitters: PubMed 16199547; PubMed 22863007; PubMed 28125082; PubMed 32367404; PubMed 34132027; PubMed 34499853.

NM_014956.5(CEP164):c.552+1G>C

Gene: CEP164 (centrosomal protein 164; plus strand). Cytogenetic location: 11q23.3.
Variant type: single nucleotide variant.
Coding change: c.552+1G>C on transcript NM_014956.5 (MANE Select); the canonical splice donor site of the intron after coding-DNA position 552, G replaced by C.
Molecular consequence: splice donor variant.
Genome position (GRCh38, 1-based): chr11:117,361,994, G>C. VCF-style: chr11-117361994-G-C. GRCh37 (hg19) VCF-style: chr11-117232710-G-C.
Other names: c.552+1G>C (NM_001271933.2).
Identifiers: ClinVar variation 962029 (VCV000962029.8), dbSNP rs2041038603, ClinGen allele CA382731168.